The following is an entry in ClinVar:

NM_033409.4(SLC52A3):c.1062C>G (p.Phe354Leu)

Gene: SLC52A3 (solute carrier family 52 member 3; minus strand). Cytogenetic location: 20p13.
Variant type: single nucleotide variant.
Coding change: c.1062C>G on transcript NM_033409.4 (MANE Select); coding-DNA position 1062, C replaced by G.
Protein change: p.Phe354Leu; replaces phenylalanine 354 with leucine.
Molecular consequence: missense variant.
Genome position (GRCh38, 1-based): chr20:763,509, G>C on the plus strand (C>G on the coding strand, the complement: SLC52A3 is on the minus strand). VCF-style: chr20-763509-G-C. GRCh37 (hg19) VCF-style: chr20-744153-G-C.
Other names: c.1062C>G, p.Phe354Leu (NM_001370085.1, NM_001370086.1); short protein forms F354L.
Identifiers: ClinVar variation 1056779 (VCV001056779.9), dbSNP rs2122515947, ClinGen allele CA407962530.
Genomic context (GRCh38, chr20:763,509, plus strand): 5'-AATGAAGTGTTCCCCCACTAGGATTCCCTAGGACCAGATGAGGGCACACCTGTTAGGCAG[G>C]AACATGGAGACCAACGAGGCAAGAGGGTTGGCCACAATGCTGAGGGTGGCAGCCAGGTGG-3'
Protein context (NP_212134.3, residues 344-364): ANPLASLVSM[Phe354Leu]LPNRSLLFLG

ClinVar aggregate classification (germline): Uncertain significance (1 of 4 stars; one submission).

Conditions:
Brown-Vialetto-van Laere syndrome 1. Also called: BROWN-VIALETTO-VAN LAERE SYNDROME 1, MILD; BULBAR PALSY, PROGRESSIVE, WITH SENSORINEURAL DEAFNESS; PONTOBULBAR PALSY WITH DEAFNESS. Identifiers: Orphanet 572550, Orphanet 97229, MedGen C0796274, MONDO:0024537, OMIM 211530.

Submission:

Labcorp Genetics (formerly Invitae), Labcorp
Classification: Uncertain significance for Brown-Vialetto-van Laere syndrome 1. Last evaluated: 2022-07-26. Review status: criteria provided, single submitter. Criteria: Invitae Variant Classification Sherloc (09022015). Collection method: clinical testing. Allele origin: germline.
Comment: This sequence change replaces phenylalanine, which is neutral and non-polar, with leucine, which is neutral and non-polar, at codon 354 of the SLC52A3 protein (p.Phe354Leu). This variant is not present in population databases (gnomAD no frequency). This variant has not been reported in the literature in individuals affected with SLC52A3-related conditions. ClinVar contains an entry for this variant (Variation ID: 1056779). Algorithms developed to predict the effect of missense changes on protein structure and function (SIFT, PolyPhen-2, Align-GVGD) all suggest that this variant is likely to be tolerated. In summary, the available evidence is currently insufficient to determine the role of this variant in disease. Therefore, it has been classified as a Variant of Uncertain Significance.